The following is an entry in ClinVar:

ClinVar aggregate classification (germline): Benign/Likely benign. Review status: criteria provided, multiple submitters, no conflicts (2 of 4 stars). 5 submissions from 4 submitters: Benign (3); Likely benign (2). Last evaluated 2025-10-03.

Conditions:
ATL1-related disorder. Also called: ATL1-related condition.
Hereditary spastic paraplegia 3A (SPG3A). Also called: SPASTIC PARAPLEGIA 3, AUTOSOMAL DOMINANT; FAMILIAL SPASTIC PARAPLEGIA, AUTOSOMAL DOMINANT, 1; SPG3; STRUMPELL DISEASE; Spastic paraplegia 3A, autosomal dominant; Spastic Paraplegia 3A. Identifiers: Orphanet 100984, MedGen C2931355, MONDO:0008437, OMIM 182600.
Neuropathy, hereditary sensory, type 1D. Identifiers: Orphanet 36386, MedGen C3150972, MONDO:0013381, OMIM 613708.

Allele frequency attached by ClinVar (database versions not stated): gnomAD 0.00001; gnomAD exomes 0.00002 and 0.00005; TOPMed 0.00003; ExAC 0.00007; 1000 Genomes Project 30x 0.00016; 1000 Genomes Project 0.00020.
gnomAD v4.1: 28 of 1,613,490 alleles (0.0017%); highest among the groups gnomAD compares: Admixed American, 0.012%; no homozygotes.

Submissions (5):

PreventionGenetics, part of Exact Sciences
Classification: Likely benign for ATL1-related condition. Last evaluated: 2025-10-03. Review status: criteria provided, single submitter. Criteria: ACMG Guidelines, 2015. Collection method: clinical testing. Allele origin: germline.
Comment: This variant is classified as likely benign based on ACMG/AMP sequence variant interpretation guidelines (Richards et al. 2015 PMID: 25741868, with internal and published modifications).

Labcorp Genetics (formerly Invitae), Labcorp
Classification: Likely benign for Hereditary spastic paraplegia 3A. Last evaluated: 2024-05-01. Review status: criteria provided, single submitter. Criteria: Invitae Variant Classification Sherloc (09022015). Collection method: clinical testing. Allele origin: germline.

Genome-Nilou Lab
Classification: Benign for Neuropathy, hereditary sensory, type 1D. Last evaluated: 2021-12-05. Review status: criteria provided, single submitter. Criteria: ACMG Guidelines, 2015. Collection method: clinical testing. Allele origin: germline. Affected: no.

Genome-Nilou Lab
Classification: Benign for Hereditary spastic paraplegia 3A. Last evaluated: 2021-12-05. Review status: criteria provided, single submitter. Criteria: ACMG Guidelines, 2015. Collection method: clinical testing. Allele origin: germline. Affected: no.

Athena Diagnostics
Classification: Benign. Last evaluated: 2020-03-11. Review status: criteria provided, single submitter. Criteria: Athena Diagnostics Criteria. Collection method: clinical testing. Allele origin: unknown.

NM_015915.5(ATL1):c.921C>T (p.Pro307=)

Gene: ATL1 (atlastin GTPase 1; plus strand). Cytogenetic location: 14q22.1.
Variant type: single nucleotide variant.
Coding change: c.921C>T on transcript NM_015915.5 (MANE Select); coding-DNA position 921, C replaced by T.
Protein change: p.Pro307=; no amino-acid change (proline 307 retained).
Molecular consequence: synonymous variant.
Genome position (GRCh38, 1-based): chr14:50,620,657, C>T. VCF-style: chr14-50620657-C-T. GRCh37 (hg19) VCF-style: chr14-51087375-C-T.
Other names: c.921C>T, p.Pro307= (NM_001127713.1, NM_181598.4).
Identifiers: ClinVar variation 994783 (VCV000994783.12), dbSNP rs535790981, ClinGen allele CA7180364.